The following is an entry in ClinVar:

ClinVar aggregate classification (germline): Uncertain significance (1 of 4 stars; one submission).

Conditions:
Hereditary cancer-predisposing syndrome. Also called: Neoplastic Syndromes, Hereditary; Tumor predisposition; Hereditary neoplastic syndrome; Hereditary Cancer Syndrome. Identifiers: Orphanet 140162, MedGen C0027672, MeSH D009386, MONDO:0015356.

Submission:

Ambry Genetics
Classification: Uncertain significance for Hereditary cancer-predisposing syndrome. Last evaluated: 2026-07-07. Review status: criteria provided, single submitter. Criteria: Ambry Variant Classification Scheme 2023. Collection method: clinical testing. Allele origin: germline.
Comment: The p.L1074Q variant (also known as c.3221T>A), located in coding exon 12 of the PALB2 gene, results from a T to A substitution at nucleotide position 3221. The leucine at codon 1074 is replaced by glutamine, an amino acid with dissimilar properties. This amino acid position is conserved. In addition, the in silico prediction for this alteration is inconclusive. Based on the available evidence, the clinical significance of this variant remains unclear.

NM_024675.4(PALB2):c.3221T>A (p.Leu1074Gln)

Gene: PALB2 (partner and localizer of BRCA2; minus strand). Cytogenetic location: 16p12.2.
Variant type: single nucleotide variant.
Coding change: c.3221T>A on transcript NM_024675.4 (MANE Select); coding-DNA position 3221, T replaced by A.
Protein change: p.Leu1074Gln; replaces leucine 1074 with glutamine.
Molecular consequence: missense variant. On other transcripts: intron variant (8).
Genome position (GRCh38, 1-based): chr16:23,607,993, A>T on the plus strand (T>A on the coding strand, the complement: PALB2 is on the minus strand). VCF-style: chr16-23607993-A-T. GRCh37 (hg19) VCF-style: chr16-23619314-A-T.
Other names: c.2174T>A, p.Leu725Gln (NM_001407307.1); c.1433T>A, p.Leu478Gln (NM_001407312.1); c.755T>A, p.Leu252Gln (NM_001407314.1); c.2229-4324T>A (NM_001407308.1, NM_001407309.1); c.1414-4324T>A (NM_001407313.1); c.3040-4324T>A (NM_001407302.1); c.3114-4324T>A (NM_001407299.1); c.3202-4324T>A (NM_001407301.1); and 6 more; short protein forms L1074Q, L478Q, L725Q, L779Q, L981Q, L1020Q, L1054Q, L1050Q.
Identifiers: ClinVar variation 5026167 (VCV005026167.1).